The following is an entry in ClinVar:

ClinVar aggregate classification (germline): Likely pathogenic (1 of 4 stars; one submission).

Submission:

Labcorp Genetics (formerly Invitae), Labcorp
Classification: Likely pathogenic. Last evaluated: 2020-08-31. Review status: criteria provided, single submitter. Criteria: Invitae Variant Classification Sherloc (09022015). Collection method: clinical testing. Allele origin: germline.
Comment: This sequence change affects an acceptor splice site in intron 49 of the COL2A1 gene. It is expected to disrupt RNA splicing and likely results in an absent or disrupted protein product. This variant is not present in population databases (ExAC no frequency). This variant has not been reported in the literature in individuals with COL2A1-related conditions. Algorithms developed to predict the effect of sequence changes on RNA splicing suggest that this variant may disrupt the consensus splice site, but this prediction has not been confirmed by published transcriptional studies. Donor and acceptor splice site variants typically lead to a loss of protein function (PMID: 16199547), and loss-of-function variants in COL2A1 are known to be pathogenic (PMID: 20179744). In summary, the currently available evidence indicates that the variant is pathogenic, but additional data are needed to prove that conclusively. Therefore, this variant has been classified as Likely Pathogenic.

Literature cited by the submitters: PubMed 16199547; PubMed 20179744.

NM_001844.5(COL2A1):c.3490-2A>G

Gene: COL2A1 (collagen type II alpha 1 chain; minus strand). Cytogenetic location: 12q13.11.
Variant type: single nucleotide variant.
Coding change: c.3490-2A>G on transcript NM_001844.5 (MANE Select); the canonical splice acceptor site of the intron before coding-DNA position 3490, A replaced by G.
Molecular consequence: splice acceptor variant.
Genome position (GRCh38, 1-based): chr12:47,976,072, T>C on the plus strand (A>G on the coding strand, the complement: COL2A1 is on the minus strand). VCF-style: chr12-47976072-T-C. GRCh37 (hg19) VCF-style: chr12-48369855-T-C.
Other names: c.3283-2A>G (NM_033150.3).
Identifiers: ClinVar variation 1066655 (VCV001066655.7), dbSNP rs2136514651, ClinGen allele CA384537465.